The following is an entry in ClinVar:

NM_033109.5(PNPT1):c.590A>G (p.Asp197Gly)

Gene: PNPT1 (polyribonucleotide nucleotidyltransferase 1; minus strand). Cytogenetic location: 2p16.1.
Variant type: single nucleotide variant.
Coding change: c.590A>G on transcript NM_033109.5 (MANE Select); coding-DNA position 590, A replaced by G.
Protein change: p.Asp197Gly; replaces aspartic acid 197 with glycine.
Molecular consequence: missense variant.
Genome position (GRCh38, 1-based): chr2:55,679,771, T>C on the plus strand (A>G on the coding strand, the complement: PNPT1 is on the minus strand). VCF-style: chr2-55679771-T-C. GRCh37 (hg19) VCF-style: chr2-55906906-T-C.
Other names: c.590A>G (NM_033109.4); short protein forms D197G.
Identifiers: ClinVar variation 1519672 (VCV001519672.6), dbSNP rs2104152974, ClinGen allele CA346937887.

ClinVar aggregate classification (germline): Uncertain significance. Review status: criteria provided, multiple submitters, no conflicts (2 of 4 stars). 2 submissions from 2 submitters: Uncertain significance (2). Last evaluated 2025-12-30.

Submissions (2):

GeneDx
Classification: Uncertain significance. Last evaluated: 2025-12-30. Review status: criteria provided, single submitter. Criteria: GeneDx Variant Classification Process June 2021. Collection method: clinical testing. Allele origin: germline.
Comment: Not observed at significant frequency in large population cohorts (gnomAD); In silico analysis supports that this missense variant has a deleterious effect on protein structure/function; Has not been previously published as pathogenic or benign to our knowledge

Labcorp Genetics (formerly Invitae), Labcorp
Classification: Uncertain significance. Last evaluated: 2022-09-06. Review status: criteria provided, single submitter. Criteria: Invitae Variant Classification Sherloc (09022015). Collection method: clinical testing. Allele origin: germline.
Comment: In summary, the available evidence is currently insufficient to determine the role of this variant in disease. Therefore, it has been classified as a Variant of Uncertain Significance. Advanced modeling of protein sequence and biophysical properties (such as structural, functional, and spatial information, amino acid conservation, physicochemical variation, residue mobility, and thermodynamic stability) performed at Invitae indicates that this missense variant is not expected to disrupt PNPT1 protein function. ClinVar contains an entry for this variant (Variation ID: 1519672). This variant has not been reported in the literature in individuals affected with PNPT1-related conditions. This variant is not present in population databases (gnomAD no frequency). This sequence change replaces aspartic acid, which is acidic and polar, with glycine, which is neutral and non-polar, at codon 197 of the PNPT1 protein (p.Asp197Gly).